The following is an entry in ClinVar:

NM_000155.4(GALT):c.1043A>G (p.Asp348Gly)

Gene: GALT (galactose-1-phosphate uridylyltransferase; plus strand). Cytogenetic location: 9p13.3.
Variant type: single nucleotide variant.
Coding change: c.1043A>G on transcript NM_000155.4 (MANE Select); coding-DNA position 1043, A replaced by G.
Protein change: p.Asp348Gly; replaces aspartic acid 348 with glycine.
Molecular consequence: missense variant.
Genome position (GRCh38, 1-based): chr9:34,649,548, A>G. VCF-style: chr9-34649548-A-G. GRCh37 (hg19) VCF-style: chr9-34649545-A-G.
Other names: c.716A>G, p.Asp239Gly (NM_001258332.2); short protein forms D348G, D239G.
Identifiers: ClinVar variation 4709669 (VCV004709669.3).

ClinVar aggregate classification (germline): Pathogenic/Likely pathogenic. Review status: criteria provided, multiple submitters, no conflicts (2 of 4 stars). 2 submissions from 2 submitters: Pathogenic (1); Likely pathogenic (1). Last evaluated 2026-01-27.

Conditions:
Deficiency of UDPglucose-hexose-1-phosphate uridylyltransferase. Also called: GALACTOSE-1-PHOSPHATE URIDYLYLTRANSFERASE DEFICIENCY; GALT deficiency; Galactosemia, classic; Transferase Deficiency Galactosemia; GALACTOSEMIA I. Identifiers: Orphanet 352, Orphanet 79239, MedGen C0268151, MONDO:0009258, OMIM 230400.

Submissions (2):

Labcorp Genetics (formerly Invitae), Labcorp
Classification: Pathogenic for Deficiency of UDPglucose-hexose-1-phosphate uridylyltransferase. Last evaluated: 2026-01-27. Review status: criteria provided, single submitter. Criteria: Invitae Variant Classification Sherloc (09022015). Collection method: clinical testing. Allele origin: germline.
Comment: This sequence change replaces aspartic acid, which is acidic and polar, with glycine, which is neutral and non-polar, at codon 348 of the GALT protein (p.Asp348Gly). This variant is not present in population databases (gnomAD no frequency). This missense change has been observed in individual(s) with clinical features of galactosemia (PMID: 26274329; internal data). In at least one individual the data is consistent with being in trans (on the opposite chromosome) from a pathogenic variant. Invitae Evidence Modeling of protein sequence and biophysical properties (such as structural, functional, and spatial information, amino acid conservation, physicochemical variation, residue mobility, and thermodynamic stability) indicates that this missense variant is expected to disrupt GALT protein function with a positive predictive value of 95%. For these reasons, this variant has been classified as Pathogenic.

Juno Genomics, Hangzhou Juno Genomics, Inc
Classification: Likely pathogenic for Deficiency of UDPglucose-hexose-1-phosphate uridylyltransferase. Review status: criteria provided, single submitter. Criteria: ACMG Guidelines, 2015. Collection method: clinical testing. Allele origin: germline.
Comment: Absent from controls (or at extremely low frequency if recessive) in Genome Aggregation Database.;Multiple lines of computational evidence support a deleterious effect on the gene or gene product.;For recessive disorders, detected in trans with a pathogenic variant.;Patient's phenotype or family history is highly specific for a disease with a single genetic etiology.

Literature cited by the submitters: PubMed 26274329 (cited by Labcorp Genetics (formerly Invitae), Labcorp).